The following is an entry in ClinVar:

NM_002490.6(NDUFA6):c.139+7G>C

Gene: NDUFA6 (NADH:ubiquinone oxidoreductase subunit A6; minus strand). Cytogenetic location: 22q13.2.
Variant type: single nucleotide variant.
Coding change: c.139+7G>C on transcript NM_002490.6 (MANE Select); 7 bases into the intron after coding-DNA position 139, G replaced by C.
Molecular consequence: intron variant.
Genome position (GRCh38, 1-based): chr22:42,090,599, C>G on the plus strand (G>C on the coding strand, the complement: NDUFA6 is on the minus strand). VCF-style: chr22-42090599-C-G. GRCh37 (hg19) VCF-style: chr22-42486603-C-G.
Identifiers: ClinVar variation 1934532 (VCV001934532.6), dbSNP rs957578584, ClinGen allele CA639827757.

ClinVar aggregate classification (germline): Conflicting classifications of pathogenicity. Review status: criteria provided, conflicting classifications (1 of 4 stars). 2 submissions from 2 submitters: Uncertain significance (1); Likely benign (1). Last evaluated 2022-06-20.

Allele frequency attached by ClinVar (database versions not stated): TOPMed 0.00003; gnomAD 0.00006.
gnomAD v4.1: 28 of 1,613,460 alleles (0.0017%); highest among the groups gnomAD compares: Middle Eastern, 0.049%; no homozygotes.

Submissions (2):

Labcorp Genetics (formerly Invitae), Labcorp
Classification: Uncertain significance. Last evaluated: 2022-06-20. Review status: criteria provided, single submitter. Criteria: Invitae Variant Classification Sherloc (09022015). Collection method: clinical testing. Allele origin: germline.
Comment: In summary, the available evidence is currently insufficient to determine the role of this variant in disease. Therefore, it has been classified as a Variant of Uncertain Significance. Algorithms developed to predict the effect of sequence changes on RNA splicing suggest that this variant may disrupt the consensus splice site. This variant has not been reported in the literature in individuals affected with NDUFA6-related conditions. This variant is present in population databases (no rsID available, gnomAD 0.02%). This sequence change falls in intron 1 of the NDUFA6 gene. It does not directly change the encoded amino acid sequence of the NDUFA6 protein.

Blueprint Genetics
Classification: Likely benign. Last evaluated: 2022-02-25. Review status: criteria provided, single submitter. Criteria: ACMG Guidelines, 2015. Collection method: clinical testing. Allele origin: germline.